The following is an entry in ClinVar:

NM_138694.4(PKHD1):c.453del (p.Lys151fs)

Gene: PKHD1 (PKHD1 ciliary IPT domain containing fibrocystin/polyductin; minus strand). Cytogenetic location: 6p12.2.
Variant type: Deletion.
Coding change: c.453del on transcript NM_138694.4 (MANE Select); coding-DNA position 453, one base deleted (A; older notation c.453delA).
Protein change: p.Lys151fs; shifts the reading frame from lysine 151.
Molecular consequence: frameshift variant.
Genome position (GRCh38, 1-based): chr6:52,073,537, T deleted on the plus strand (A on the coding strand, the reverse complement: PKHD1 is on the minus strand); the first of 4 consecutive T bases (chr6:52,073,537-52,073,540); deleting any one gives the same sequence. VCF-style (leftmost placement, unchanged base first): chr6-52073536-GT-G. GRCh37 (hg19) VCF-style: chr6-51938334-GT-G.
Other names: c.453del, p.Lys151fs (NM_170724.3); short protein forms K151fs.
Identifiers: ClinVar variation 1724042 (VCV001724042.2), dbSNP rs2533630255, ClinGen allele CA2580075537.

ClinVar aggregate classification (germline): Likely pathogenic (1 of 4 stars; one submission).

Conditions:
Polycystic kidney disease 4 (PKD4). Also called: POLYCYSTIC KIDNEY AND HEPATIC DISEASE 1; POLYCYSTIC KIDNEY DISEASE, INFANTILE, TYPE I; POLYCYSTIC KIDNEY DISEASE 4 WITH OR WITHOUT POLYCYSTIC LIVER DISEASE; PKD3; Autosomal Recessive Polycystic Kidney Disease – PKHD1. Identifiers: MedGen C4540575, MONDO:0033004, OMIM 263200.

Submission:

Myriad Genetics, Inc.
Classification: Likely pathogenic for Polycystic kidney disease 4. Last evaluated: 2022-01-24. Review status: criteria provided, single submitter. Criteria: Myriad Women's Health Autosomal Recessive and X-Linked Classification Criteria (2021). Collection method: clinical testing. Allele origin: unknown.
Comment: NM_138694.3(PKHD1):c.453delA(K151Nfs*2) is expected to be pathogenic in the context of autosomal recessive polycystic kidney disease, PKHD1-related. This variant is predicted to lead to an abnormal or absent protein product due to the creation of a premature termination codon in PKHD1, a gene where loss-of-function variants are known to be pathogenic. Please note: this variant was assessed in the context of healthy population screening.